The following is an entry in ClinVar:

NM_014727.3(KMT2B):c.164G>C (p.Gly55Ala)

Genes: KMT2B (lysine methyltransferase 2B; plus strand), LOC130064258 (ATAC-STARR-seq lymphoblastoid silent region 10535; plus strand). Cytogenetic location: 19q13.12.
Variant type: single nucleotide variant.
Coding change: c.164G>C on transcript NM_014727.3 (MANE Select); coding-DNA position 164, G replaced by C.
Protein change: p.Gly55Ala; replaces glycine 55 with alanine.
Molecular consequence: missense variant.
Genome position (GRCh38, 1-based): chr19:35,718,182, G>C. VCF-style: chr19-35718182-G-C. GRCh37 (hg19) VCF-style: chr19-36209084-G-C.
Other names: short protein forms G55A.
Identifiers: ClinVar variation 2992680 (VCV002992680.3), dbSNP rs932957521, ClinGen allele CA307779973.
Genomic context (GRCh38, chr19:35,718,182, plus strand): 5'-GACGGGGCAACGGGGCCGAAAGAGTGCGGGTAGCTCTGCGGCGCGGCGGTGGCGCGACGG[G>C]GCCGGGCGGAGCCGAGCCCGGGGAGGACACGGCCCTGCTCCGTTTGCTGGGGCTCCGCCG-3'
Protein context (NP_055542.1, residues 45-65): VALRRGGGAT[Gly55Ala]PGGAEPGEDT

ClinVar aggregate classification (germline): Uncertain significance (1 of 4 stars; one submission).

Allele frequency attached by ClinVar (database versions not stated): gnomAD 0.00001.

Submission:

Labcorp Genetics (formerly Invitae), Labcorp
Classification: Uncertain significance. Last evaluated: 2025-02-12. Review status: criteria provided, single submitter. Criteria: Invitae Variant Classification Sherloc (09022015). Collection method: clinical testing. Allele origin: germline.
Comment: This sequence change replaces glycine, which is neutral and non-polar, with alanine, which is neutral and non-polar, at codon 55 of the KMT2B protein (p.Gly55Ala). The frequency data for this variant in the population databases is considered unreliable, as metrics indicate insufficient coverage at this position in the gnomAD database. This variant has not been reported in the literature in individuals affected with KMT2B-related conditions. ClinVar contains an entry for this variant (Variation ID: 2992680). Invitae Evidence Modeling of protein sequence and biophysical properties (such as structural, functional, and spatial information, amino acid conservation, physicochemical variation, residue mobility, and thermodynamic stability) indicates that this missense variant is not expected to disrupt KMT2B protein function with a negative predictive value of 80%. In summary, the available evidence is currently insufficient to determine the role of this variant in disease. Therefore, it has been classified as a Variant of Uncertain Significance.